The following is an entry in ClinVar:

NM_018006.5(TRMU):c.342T>G (p.Ala114=)

Gene: TRMU (tRNA mitochondrial 2-thiouridylase; plus strand). Cytogenetic location: 22q13.31.
Variant type: single nucleotide variant.
Coding change: c.342T>G on transcript NM_018006.5 (MANE Select); coding-DNA position 342, T replaced by G.
Protein change: p.Ala114=; no amino-acid change (alanine 114 retained).
Molecular consequence: synonymous variant. On other transcripts: non-coding transcript variant (1), intron variant (3).
Genome position (GRCh38, 1-based): chr22:46,343,355, T>G. VCF-style: chr22-46343355-T-G. GRCh37 (hg19) VCF-style: chr22-46739252-T-G.
Other names: c.342T>G, p.Ala114= (NM_001008568.2, NM_001282785.2); c.14-3067T>G (NM_001282782.2); c.-6-3067T>G (NM_001282783.2, NM_001282784.2).
Identifiers: ClinVar variation 3040708 (VCV003040708.2), dbSNP rs779872713, ClinGen allele CA514925052.

ClinVar aggregate classification (germline): Likely benign (0 of 4 stars; one submission).

Conditions:
TRMU-related disorder. Also called: TRMU-related condition.

Submission:

PreventionGenetics, part of Exact Sciences
Classification: Likely benign for TRMU-related condition. Last evaluated: 2019-09-17. Review status: no assertion criteria provided. Collection method: clinical testing. Allele origin: germline.
Comment: This variant is classified as likely benign based on ACMG/AMP sequence variant interpretation guidelines (Richards et al. 2015 PMID: 25741868, with internal and published modifications).